The following is an entry in ClinVar:

NM_005732.4(RAD50):c.2789_2792del (p.Ile930fs)

Gene: RAD50 (RAD50 double strand break repair protein; plus strand). Cytogenetic location: 5q31.1.
Variant type: Deletion.
Coding change: c.2789_2792del on transcript NM_005732.4 (MANE Select); coding-DNA positions 2789 to 2792, 4 bases deleted (TCAA; older notation c.2789_2792delTCAA).
Protein change: p.Ile930fs; shifts the reading frame from isoleucine 930.
Molecular consequence: frameshift variant.
Genome position (GRCh38, 1-based): chr5:132,608,685-132,608,688, TCAA deleted; deleting any 4 consecutive bases within chr5:132,608,683-132,608,688 gives the same sequence; the c. name uses the placement nearest the transcript's 3' end. VCF-style (leftmost placement, unchanged base first): chr5-132608682-TAATC-T. GRCh37 (hg19) VCF-style: chr5-131944374-TAATC-T.
Other names: c.2789_2792del (NM_005732.3); short protein forms I930fs.
Identifiers: ClinVar variation 141677 (VCV000141677.44), dbSNP rs587781930, ClinGen allele CA166108.

ClinVar aggregate classification (germline): Pathogenic/Likely pathogenic. Review status: criteria provided, multiple submitters, no conflicts (2 of 4 stars). 6 submissions from 6 submitters: Pathogenic (4); Likely pathogenic (2). Last evaluated 2024-07-02.

Conditions:
Hereditary cancer-predisposing syndrome. Also called: Tumor predisposition; Hereditary neoplastic syndrome; Hereditary Cancer Syndrome; Neoplastic Syndromes, Hereditary. Identifiers: Orphanet 140162, MedGen C0027672, MeSH D009386, MONDO:0015356.
Nijmegen breakage syndrome-like disorder (NBSLD). Also called: MICROCEPHALY AND SPONTANEOUS CHROMOSOME INSTABILITY WITHOUT IMMUNODEFICIENCY; NBS-LIKE DISORDER; RAD50 DEFICIENCY. Identifiers: Orphanet 240760, MedGen C2751318, MONDO:0013118, OMIM 613078.

Submissions (6):

Labcorp Genetics (formerly Invitae), Labcorp
Classification: Pathogenic for Hereditary cancer-predisposing syndrome. Last evaluated: 2024-07-02. Review status: criteria provided, single submitter. Criteria: Invitae Variant Classification Sherloc (09022015). Collection method: clinical testing. Allele origin: germline.
Comment: This sequence change creates a premature translational stop signal (p.Ile930Thrfs*9) in the RAD50 gene. It is expected to result in an absent or disrupted protein product. Loss-of-function variants in RAD50 are known to be pathogenic (PMID: 19409520). This variant is present in population databases (rs779209275, gnomAD 0.009%). This variant has not been reported in the literature in individuals affected with RAD50-related conditions. ClinVar contains an entry for this variant (Variation ID: 141677). For these reasons, this variant has been classified as Pathogenic.

Ambry Genetics
Classification: Pathogenic for Hereditary cancer-predisposing syndrome. Last evaluated: 2023-04-28. Review status: criteria provided, single submitter. Criteria: Ambry Variant Classification Scheme 2023. Collection method: clinical testing. Allele origin: germline.
Comment: The c.2789_2792delTCAA pathogenic mutation, located in coding exon 17 of the RAD50 gene, results from a deletion of 4 nucleotides at nucleotide positions 2789 to 2792, causing a translational frameshift with a predicted alternate stop codon (p.I930Tfs*9). This alteration is expected to result in loss of function by premature protein truncation or nonsense-mediated mRNA decay. As such, this alteration is interpreted as a disease-causing mutation.

CeGaT Center for Human Genetics Tuebingen
Classification: Likely pathogenic. Last evaluated: 2022-03-01. Review status: criteria provided, single submitter. Criteria: CeGaT Center For Human Genetics Tuebingen Variant Classification Criteria Version 2. Collection method: clinical testing. Allele origin: germline. Affected: yes. Observed: 1 variant allele.
Comment: RAD50: PVS1:Strong, PM2

Fulgent Genetics
Classification: Pathogenic for Nijmegen breakage syndrome-like disorder. Last evaluated: 2022-02-25. Review status: criteria provided, single submitter. Criteria: ACMG Guidelines, 2015. Collection method: clinical testing. Allele origin: unknown.

Baylor Genetics
Classification: Likely pathogenic for Nijmegen breakage syndrome-like disorder. Last evaluated: 2021-12-03. Review status: criteria provided, single submitter. Criteria: ACMG Guidelines, 2015. Collection method: clinical testing. Allele origin: unknown.

Revvity Omics, Revvity
Classification: Pathogenic for Nijmegen breakage syndrome-like disorder. Last evaluated: 2019-05-06. Review status: criteria provided, single submitter. Criteria: ACMG Guidelines, 2015. Collection method: clinical testing. Allele origin: germline.

Literature cited by the submitters: PubMed 19409520 (cited by Labcorp Genetics (formerly Invitae), Labcorp).